The following is an entry in ClinVar:

ClinVar aggregate classification (germline): Uncertain significance (1 of 4 stars; one submission).

Conditions:
Familial adenomatous polyposis 1 (FAP1). Also called: FAMILIAL ADENOMATOUS POLYPOSIS 1, ATTENUATED; POLYPOSIS, ADENOMATOUS INTESTINAL. Identifiers: MedGen C2713442, MONDO:0021056, OMIM 175100. Disease mechanism: loss of function.

gnomAD v4.1: 1 of 1,099,420 alleles (0.000091%); highest among the groups gnomAD compares: Non-Finnish European, 0.00012%; no homozygotes.

Submission:

Labcorp Genetics (formerly Invitae), Labcorp
Classification: Uncertain significance for Familial adenomatous polyposis 1. Last evaluated: 2024-04-07. Review status: criteria provided, single submitter. Criteria: Invitae Variant Classification Sherloc (09022015). Collection method: clinical testing. Allele origin: germline.
Comment: This variant occurs in a non-coding region of the APC gene. It does not change the encoded amino acid sequence of the APC protein. This variant is not present in population databases (gnomAD no frequency). This variant has not been reported in the literature in individuals affected with APC-related conditions. Experimental studies and prediction algorithms are not available or were not evaluated, and the functional significance of this variant is currently unknown. In summary, the available evidence is currently insufficient to determine the role of this variant in disease. Therefore, it has been classified as a Variant of Uncertain Significance.

NM_001127511.3(APC):c.-120C>A

Gene: APC (APC regulator of Wnt signaling pathway; plus strand). Cytogenetic location: 5q22.2.
Variant type: single nucleotide variant.
Coding change: c.-120C>A on transcript NM_001127511.3; 120 bases upstream of the start codon, C replaced by A.
Molecular consequence: 5 prime UTR variant. On other transcripts: non-coding transcript variant (2).
Genome position (GRCh38, 1-based): chr5:112,707,598, C>A. VCF-style: chr5-112707598-C-A. GRCh37 (hg19) VCF-style: chr5-112043295-C-A.
Other names: c.-303C>A (NM_001354895.2, NM_001407447.1, NM_001407452.1 and 3 more transcripts); c.-120C>A (NM_001354897.2, NM_001354902.2, NM_001407446.1); c.-70C>A (NM_001407448.1, NM_001407450.1, NM_001407457.1 and 1 more transcripts); c.-94C>A (NM_001407453.1); c.-1338C>A (NM_001407470.1, NM_001407472.1).
Identifiers: ClinVar variation 3649060 (VCV003649060.2).
Genomic context (GRCh38, chr5:112,707,598, plus strand): 5'-AAGTAGCAAGGGGGCGGGGTGTGGCCGCCGGAAGCCTAGCCGCTGCTCGGGGGGGACCTG[C>A]GGGCTCAGGCCCGGGAGCTGCGGACCGAGGTTGGCTCGATGCTGTTCCCAGGTACTGTTG-3'